The following is an entry in ClinVar:

ClinVar aggregate classification (germline): Uncertain significance. Review status: criteria provided, multiple submitters, no conflicts (2 of 4 stars). 3 submissions from 3 submitters: Uncertain significance (3). Last evaluated 2026-06-03.

Conditions:
RINT1-related disorder. Also called: RINT1-related condition.

Allele frequency attached by ClinVar (database versions not stated): gnomAD exomes 0.00001.
gnomAD v4.1: 16 of 1,613,330 alleles (0.00099%); highest among the groups gnomAD compares: Non-Finnish European, 0.0014%; no homozygotes.

Submissions (3):

PreventionGenetics, part of Exact Sciences
Classification: Uncertain significance for RINT1-related condition. Last evaluated: 2026-06-03. Review status: criteria provided, single submitter. Criteria: ACMG Guidelines, 2015. Collection method: clinical testing. Allele origin: germline.
Comment: The RINT1 c.1108C>A variant is predicted to result in the amino acid substitution p.Leu370Ile. To our knowledge, this variant has not been reported in the literature. This variant is reported in 0.00088% of alleles in individuals of European (Non-Finnish) descent in gnomAD. At this time, the clinical significance of this variant is uncertain due to the absence of conclusive functional and genetic evidence.

Women's Health and Genetics/Laboratory Corporation of America, LabCorp
Classification: Uncertain significance. Last evaluated: 2025-03-27. Review status: criteria provided, single submitter. Criteria: LabCorp Variant Classification Summary - May 2015. Collection method: clinical testing. Allele origin: germline.
Comment: Variant summary: RINT1 c.1108C>A (p.Leu370Ile) results in a conservative amino acid change in the encoded protein sequence. Four of five in-silico tools predict a benign effect of the variant on protein function. Consensus agreement among computation tools predict no significant impact on normal splicing. However, these predictions have yet to be confirmed by functional studies. The variant allele was found at a frequency of 4e-06 in 251148 control chromosomes (gnomAD). The available data on variant occurrences in the general population are insufficient to allow any conclusion about variant significance. In a large case control study, the variant was not found in cases but in controls (Dorling_2021). This report, however, does not provide unequivocal conclusions about association of the variant with Infantile Liver Failure Syndrome 3. To our knowledge, no experimental evidence demonstrating an impact on protein function has been reported. The following publication has been ascertained in the context of this evaluation (PMID: 33471991). ClinVar contains an entry for this variant (Variation ID: 1794218). Based on the evidence outlined above, the variant was classified as uncertain significance.

Ambry Genetics
Classification: Uncertain significance. Last evaluated: 2021-06-22. Review status: criteria provided, single submitter. Criteria: Ambry Variant Classification Scheme 2023. Collection method: clinical testing. Allele origin: germline.
Comment: The p.L370I variant (also known as c.1108C>A) is located in coding exon 9 of the RINT1 gene. The leucine at codon 370 is replaced by isoleucine, an amino acid with highly similar properties. This change occurs in the first base pair of coding exon 9. In one study, this variant was not detected in 60,466 breast cancer cases but seen in 1/53,461 controls (Dorling et al. N Engl J Med. 2021 02;384:428-439). This amino acid position is not well conserved in available vertebrate species. In addition, this alteration is predicted to be tolerated by in silico analysis. Since supporting evidence is limited at this time, the clinical significance of this alteration remains unclear.

Literature cited by the submitters: PubMed 33471991 (cited by Women's Health and Genetics/Laboratory Corporation of America, LabCorp and Ambry Genetics).

NM_021930.6(RINT1):c.1108C>A (p.Leu370Ile)

Gene: RINT1 (RAD50 interactor 1; plus strand). Cytogenetic location: 7q22.3.
Variant type: single nucleotide variant.
Coding change: c.1108C>A on transcript NM_021930.6 (MANE Select); coding-DNA position 1108, C replaced by A.
Protein change: p.Leu370Ile; replaces leucine 370 with isoleucine.
Molecular consequence: missense variant. On other transcripts: non-coding transcript variant (1).
Genome position (GRCh38, 1-based): chr7:105,550,261, C>A. VCF-style: chr7-105550261-C-A. GRCh37 (hg19) VCF-style: chr7-105190708-C-A.
Other names: c.874C>A, p.Leu292Ile (NM_001346599.2); c.85C>A, p.Leu29Ile (NM_001346600.2, NM_001346603.2); c.184C>A, p.Leu62Ile (NM_001346601.2); c.1108C>A (NM_021930.5); short protein forms L62I, L370I, L292I, L29I.
Identifiers: ClinVar variation 1794218 (VCV001794218.4), dbSNP rs1172742902, ClinGen allele CA368808698.
Genomic context (GRCh38, chr7:105,550,261, plus strand): 5'-ACTGTATGTGTGCATGGATAACTTTTTATTTACATACCTCATGTTTGTGTATTTTTTTAG[C>A]TTGAATTTTCTCGGGGCCTTATGATGCTGGTTCTTGAGAAGTTAGCCACTGATATTCCTT-3'
Protein context (NP_068749.3, residues 360-380): DKVGSLVNAR[Leu370Ile]EFSRGLMMLV